The following is an entry in ClinVar:

NM_177438.3(DICER1):c.2388A>T (p.Glu796Asp)

Gene: DICER1 (dicer 1, ribonuclease III; minus strand). Cytogenetic location: 14q32.13.
Variant type: single nucleotide variant.
Coding change: c.2388A>T on transcript NM_177438.3 (MANE Select); coding-DNA position 2388, A replaced by T.
Protein change: p.Glu796Asp; replaces glutamic acid 796 with aspartic acid.
Molecular consequence: missense variant. On other transcripts: non-coding transcript variant (6).
Genome position (GRCh38, 1-based): chr14:95,108,372, T>A on the plus strand (A>T on the coding strand, the complement: DICER1 is on the minus strand). VCF-style: chr14-95108372-T-A. GRCh37 (hg19) VCF-style: chr14-95574709-T-A.
Other names: c.2388A>T, p.Glu796Asp (NM_001291628.2, NM_001395677.1, NM_001395678.1 and 12 more transcripts); c.1983A>T, p.Glu661Asp (NM_001395687.1, NM_001395688.1, NM_001395689.1 and 2 more transcripts); c.2106A>T, p.Glu702Asp (NM_001395686.1); c.1821A>T, p.Glu607Asp (NM_001395691.1); c.705A>T, p.Glu235Asp (NM_001395697.1); short protein forms E796D, E235D, E607D, E661D, E702D.
Identifiers: ClinVar variation 3272032 (VCV003272032.1).

ClinVar aggregate classification (germline): Uncertain significance (1 of 4 stars; one submission).

Conditions:
Hereditary cancer-predisposing syndrome. Also called: Tumor predisposition; Hereditary Cancer Syndrome; Hereditary neoplastic syndrome; Neoplastic Syndromes, Hereditary. Identifiers: Orphanet 140162, MedGen C0027672, MeSH D009386, MONDO:0015356.

Submission:

Ambry Genetics
Classification: Uncertain significance for Hereditary cancer-predisposing syndrome. Last evaluated: 2024-05-26. Review status: criteria provided, single submitter. Criteria: Ambry Variant Classification Scheme 2023. Collection method: clinical testing. Allele origin: germline.
Comment: The p.E796D variant (also known as c.2388A>T), located in coding exon 14 of the DICER1 gene, results from an A to T substitution at nucleotide position 2388. The glutamic acid at codon 796 is replaced by aspartic acid, an amino acid with highly similar properties. This amino acid position is conserved. In addition, the in silico prediction for this alteration is inconclusive. Based on the available evidence, the clinical significance of this variant remains unclear.